The following is an entry in ClinVar:

ClinVar aggregate classification (germline): Uncertain significance (1 of 4 stars; one submission).

Conditions:
Charcot-Marie-Tooth disease axonal type 2C (HMSN2C). Also called: CHARCOT-MARIE-TOOTH DISEASE, AXONAL, AUTOSOMAL DOMINANT, TYPE 2C; Charcot-Marie-Tooth Neuropathy Type 2C; Charcot-Marie-Tooth Disease Type 2, TRPV4-Related (CMT2C). Identifiers: Orphanet 99937, MedGen C1853710, MONDO:0011633, OMIM 606071.

Submission:

Labcorp Genetics (formerly Invitae), Labcorp
Classification: Uncertain significance for Charcot-Marie-Tooth disease axonal type 2C. Last evaluated: 2023-03-01. Review status: criteria provided, single submitter. Criteria: Invitae Variant Classification Sherloc (09022015). Collection method: clinical testing. Allele origin: germline.
Comment: Algorithms developed to predict the effect of sequence changes on RNA splicing suggest that this variant may create or strengthen a splice site. In summary, the available evidence is currently insufficient to determine the role of this variant in disease. Therefore, it has been classified as a Variant of Uncertain Significance. This variant is not present in population databases (gnomAD no frequency). This sequence change creates a premature translational stop signal (p.Val560*) in the TRPV4 gene. It is expected to result in an absent or disrupted protein product. However, the current clinical and genetic evidence is not sufficient to establish whether loss-of-function variants in TRPV4 cause disease. This variant has not been reported in the literature in individuals affected with TRPV4-related conditions.

NM_021625.5(TRPV4):c.1678del (p.Leu559_Val560insTer)

Gene: TRPV4 (transient receptor potential cation channel subfamily V member 4; minus strand). Cytogenetic location: 12q24.11.
Variant type: Deletion.
Coding change: c.1678del on transcript NM_021625.5 (MANE Select); coding-DNA position 1678, one base deleted (G; older notation c.1678delG).
Protein change: p.Leu559_Val560insTer.
Molecular consequence: nonsense. On other transcripts: frameshift variant (4).
Genome position (GRCh38, 1-based): chr12:109,792,798, C deleted on the plus strand (G on the coding strand, the reverse complement: TRPV4 is on the minus strand); the first of 2 consecutive C bases (chr12:109,792,798-109,792,799); deleting either gives the same sequence. VCF-style (leftmost placement, unchanged base first): chr12-109792797-AC-A. GRCh37 (hg19) VCF-style: chr12-110230602-AC-A.
Other names: c.1536delG, p.Val513Terfs (NM_001177428.2); c.1575delG, p.Val526Terfs (NM_001177431.2); c.1356delG, p.Val453Terfs (NM_001177433.2); c.1497delG, p.Val500Terfs (NM_147204.3).
Identifiers: ClinVar variation 2841803 (VCV002841803.3), dbSNP rs2548727098, ClinGen allele CA2739277299.